The following is an entry in ClinVar:

NM_000436.4(OXCT1):c.370C>T (p.Arg124Ter)

Gene: OXCT1 (3-oxoacid CoA-transferase 1; minus strand). Cytogenetic location: 5p13.1.
Variant type: single nucleotide variant.
Coding change: c.370C>T on transcript NM_000436.4 (MANE Select); coding-DNA position 370, C replaced by T.
Protein change: p.Arg124Ter; replaces arginine 124 with a stop codon.
Molecular consequence: nonsense. On other transcripts: non-coding transcript variant (1).
Genome position (GRCh38, 1-based): chr5:41,853,463, G>A on the plus strand (C>T on the coding strand, the complement: OXCT1 is on the minus strand). VCF-style: chr5-41853463-G-A. GRCh37 (hg19) VCF-style: chr5-41853565-G-A.
Other names: c.370C>T, p.Arg124Ter (NM_001364299.2, NM_001364301.2, NM_001364302.2); c.391C>T, p.Arg131Ter (NM_001364300.2); short protein forms R124*, R131*.
Identifiers: ClinVar variation 828111 (VCV000828111.6), dbSNP rs1579884900, ClinGen allele CA359629346.

ClinVar aggregate classification (germline): Likely pathogenic. Review status: criteria provided, multiple submitters, no conflicts (2 of 4 stars). 3 submissions from 3 submitters: Likely pathogenic (2). 1 of the submissions does not count toward it. Last evaluated 2020-07-28.

Conditions:
Succinyl-CoA acetoacetate transferase deficiency (SCOTD). Also called: 3-Oxoacid CoA Transferase Deficiency; SCOT DEFICIENCY; SUCCINYL-CoA:3-KETOACID CoA-TRANSFERASE DEFICIENCY; KETOACIDOSIS DUE TO SCOT DEFICIENCY; Succinyl CoA:3-oxoacid CoA transferase deficiency. Identifiers: Orphanet 832, MedGen C0342792, MONDO:0009492, OMIM 245050.

Allele frequency attached by ClinVar (database versions not stated): gnomAD exomes below 0.00001; TOPMed below 0.00001.
gnomAD v4.1: 1 of 1,613,774 alleles (0.000062%); highest among the groups gnomAD compares: Non-Finnish European, 0.000085%; no homozygotes.

Submissions (3):

Revvity Omics, Revvity
Classification: Likely pathogenic for Succinyl-CoA acetoacetate transferase deficiency. Last evaluated: 2020-07-28. Review status: criteria provided, single submitter. Criteria: ACMG Guidelines, 2015. Collection method: clinical testing. Allele origin: germline.

Neuberg Centre For Genomic Medicine, NCGM
Classification: Likely pathogenic for Succinyl-CoA acetoacetate transferase deficiency. Review status: criteria provided, single submitter. Criteria: ACMG Guidelines, 2015. Collection method: clinical testing. Allele origin: germline. Inheritance: Autosomal recessive inheritance. Affected: yes.
Comment: The observed stop gained c.370C>T p.Arg124Ter variant in OXCT1 gene has been reported previously in individuals affected with Succinyl-CoA:3-oxoacid CoA transferase SCOT deficiency Grünert et al., 2021. The p.Arg124Ter variant is absent in gnomAD Exomes. This variant has been submitted to the ClinVar database as Likely Pathogenic. Computational evidence MutationTaster - Disease causing predicts damaging effect on protein structure and function for this variant. The nucleotide change c.370C>T in OXCT1 is predicted as conserved by GERP++ and PhyloP across 100 vertebrates. This sequence change creates a premature translational stop signal p.Arg124Ter in the OXCT1 gene. This variant is predicted to cause loss of normal protein function through protein truncation. Loss of function variants have been previously reported to be disease causing. However, additional functional studies will be required to prove the pathogenicity of this variant. For these reasons, this variant has been classified as Likely Pathogenic.

Biochemical Molecular Genetic Laboratory, King Abdulaziz Medical City
Classification: Likely pathogenic for Succinyl-CoA acetoacetate transferase deficiency. Last evaluated: 2020-02-05. Review status: no assertion criteria provided. Collection method: clinical testing. Allele origin: germline. Affected: yes. Not counted in ClinVar's aggregate classification.